The following is an entry in ClinVar:

ClinVar aggregate classification (germline): Benign. Review status: criteria provided, multiple submitters, no conflicts (2 of 4 stars). 3 submissions from 3 submitters: Benign (3). Last evaluated 2023-11-12.

Allele frequency attached by ClinVar (database versions not stated): 1000 Genomes Project 30x 0.32042; 1000 Genomes Project 0.32648; ESP Exome Variant Server 0.26822; TOPMed 0.30458.
gnomAD v4.1: 386,432 of 1,558,804 alleles (25%); highest among the groups gnomAD compares: African/African-American, 48%; 51,594 homozygotes.

Submissions (3):

Unidad de Genómica Garrahan, Hospital de Pediatría Garrahan
Classification: Benign. Last evaluated: 2023-11-12. Review status: criteria provided, single submitter. Criteria: ACMG Guidelines, 2015. Collection method: clinical testing. Allele origin: germline. Affected: no. Observed: 32 variant alleles.
Comment: This variant is classified as Benign based on local population frequency. This variant was detected in 33% of patients studied by a panel of primary immunodeficiencies. Number of patients: 32. Only high quality variants are reported.

GeneDx
Classification: Benign. Last evaluated: 2018-11-27. Review status: criteria provided, single submitter. Criteria: GeneDx Variant Classification Process June 2021. Collection method: clinical testing. Allele origin: germline. Affected: yes.

Breakthrough Genomics
Classification: Benign. Review status: criteria provided, single submitter. Criteria: ACMG Guidelines, 2015. Collection method: not provided. Allele origin: germline. Inheritance: Autosomal recessive inheritance. Affected: yes.

NM_001261826.3(AP3D1):c.2937+29A>G

Gene: AP3D1 (adaptor related protein complex 3 subunit delta 1; minus strand). Cytogenetic location: 19p13.3.
Variant type: single nucleotide variant.
Coding change: c.2937+29A>G on transcript NM_001261826.3 (MANE Select); 29 bases into the intron after coding-DNA position 2937, A replaced by G.
Molecular consequence: intron variant.
Genome position (GRCh38, 1-based): chr19:2,111,650, T>C on the plus strand (A>G on the coding strand, the complement: AP3D1 is on the minus strand). VCF-style: chr19-2111650-T-C. GRCh37 (hg19) VCF-style: chr19-2111649-T-C.
Other names: c.2751+29A>G (NM_003938.8); c.2901+29A>G (NM_001374799.1).
Identifiers: ClinVar variation 1274168 (VCV001274168.4), dbSNP rs2074959, ClinGen allele CA9058661.
Genomic context (GRCh38, chr19:2,111,650, plus strand): 5'-TCTCCCGCATGGAGGCTGCAGGAGTGGGGAGCAGCGCACAGCCCGCCAGGAACCCCGGCG[T>C]GGGGCGGGGGCGCTGAAGTACCCCTCACCGGGAGCTGCTCCTCCTCTGGCGCGCCATTCT-3'